The following is an entry in ClinVar:

NM_001142966.3(GREB1L):c.1474G>C (p.Ala492Pro)

Genes: GREB1L (GREB1 like retinoic acid receptor coactivator; plus strand), GREB1L-AS1 (GREB1L antisense RNA 1; minus strand). Cytogenetic location: 18q11.1.
Variant type: single nucleotide variant.
Coding change: c.1474G>C on transcript NM_001142966.3 (MANE Select); coding-DNA position 1474, G replaced by C.
Protein change: p.Ala492Pro; replaces alanine 492 with proline.
Molecular consequence: missense variant. On other transcripts: intron variant (1).
Genome position (GRCh38, 1-based): chr18:21,449,590, G>C. VCF-style: chr18-21449590-G-C. GRCh37 (hg19) VCF-style: chr18-19029551-G-C.
Other names: c.1603G>C, p.Ala535Pro (NM_001410867.1); c.1394-1433G>C (NM_001410868.1); short protein forms A492P, A535P.
Identifiers: ClinVar variation 2727430 (VCV002727430.3), dbSNP rs2034416371, ClinGen allele CA401732432.
Genomic context (GRCh38, chr18:21,449,590, plus strand): 5'-AGGGAAGAATTTGAGCAAATTATGCTGAAAGCTATGCAAGAATTTACTCTGAGAGAAAGA[G>C]CCCTGCAGATAGGTGCTCAGTGTGTCCCTGTGTCACCAGGACAACTCCCCTGGCTTGCTA-3'
Protein context (NP_001136438.1, residues 482-502): AMQEFTLRER[Ala492Pro]LQIGAQCVPV

ClinVar aggregate classification (germline): Uncertain significance (1 of 4 stars; one submission).

Submission:

Labcorp Genetics (formerly Invitae), Labcorp
Classification: Uncertain significance. Last evaluated: 2023-07-17. Review status: criteria provided, single submitter. Criteria: Invitae Variant Classification Sherloc (09022015). Collection method: clinical testing. Allele origin: germline.
Comment: In summary, the available evidence is currently insufficient to determine the role of this variant in disease. Therefore, it has been classified as a Variant of Uncertain Significance. An algorithm developed to predict the effect of missense changes on protein structure and function (PolyPhen-2) suggests that this variant is likely to be tolerated. This variant has not been reported in the literature in individuals affected with GREB1L-related conditions. This variant is not present in population databases (gnomAD no frequency). This sequence change replaces alanine, which is neutral and non-polar, with proline, which is neutral and non-polar, at codon 492 of the GREB1L protein (p.Ala492Pro).